The following is an entry in ClinVar:

ClinVar aggregate classification (germline): Uncertain significance. Review status: criteria provided, multiple submitters, no conflicts (2 of 4 stars). 4 submissions from 4 submitters: Uncertain significance (4). Last evaluated 2025-09-10.

Conditions:
Inborn genetic diseases. Identifiers: MedGen C0950123, MeSH D030342.

Allele frequency attached by ClinVar (database versions not stated): gnomAD exomes below 0.00001 and 0.00005; TOPMed 0.00002; gnomAD 0.00003.
gnomAD v4.1: 79 of 1,613,812 alleles (0.0049%); highest among the groups gnomAD compares: Non-Finnish European, 0.0064%; no homozygotes.

Submissions (4):

Ambry Genetics
Classification: Uncertain significance for Inborn genetic diseases. Last evaluated: 2025-09-10. Review status: criteria provided, single submitter. Criteria: Ambry Variant Classification Scheme 2023. Collection method: clinical testing. Allele origin: germline.

Labcorp Genetics (formerly Invitae), Labcorp
Classification: Uncertain significance. Last evaluated: 2025-08-11. Review status: criteria provided, single submitter. Criteria: Invitae Variant Classification Sherloc (09022015). Collection method: clinical testing. Allele origin: germline.
Comment: This sequence change replaces glycine, which is neutral and non-polar, with serine, which is neutral and polar, at codon 283 of the COL9A2 protein (p.Gly283Ser). This variant is present in population databases (no rsID available, gnomAD 0.0009%). This variant has not been reported in the literature in individuals affected with COL9A2-related conditions. ClinVar contains an entry for this variant (Variation ID: 1408610). An algorithm developed to predict the effect of missense changes on protein structure and function (PolyPhen-2) suggests that this variant is likely to be disruptive. In summary, the available evidence is currently insufficient to determine the role of this variant in disease. Therefore, it has been classified as a Variant of Uncertain Significance.

Blueprint Genetics
Classification: Uncertain significance. Last evaluated: 2024-10-15. Review status: criteria provided, single submitter. Criteria: ACMG Guidelines, 2015. Collection method: clinical testing. Allele origin: germline.

GeneDx
Classification: Uncertain significance. Last evaluated: 2024-03-19. Review status: criteria provided, single submitter. Criteria: GeneDx Variant Classification Process June 2021. Collection method: clinical testing. Allele origin: germline. Affected: yes.
Comment: Not observed at significant frequency in large population cohorts (gnomAD); In silico analysis supports that this missense variant has a deleterious effect on protein structure/function; Has not been previously published as pathogenic or benign to our knowledge; In silico analysis suggests this variant may impact gene splicing. In the absence of RNA/functional studies, the actual effect of this sequence change is unknown.

NM_001852.4(COL9A2):c.847G>A (p.Gly283Ser)

Gene: COL9A2 (collagen type IX alpha 2 chain; minus strand). Cytogenetic location: 1p34.2.
Variant type: single nucleotide variant.
Coding change: c.847G>A on transcript NM_001852.4 (MANE Select); coding-DNA position 847, G replaced by A.
Protein change: p.Gly283Ser; replaces glycine 283 with serine.
Molecular consequence: missense variant.
Genome position (GRCh38, 1-based): chr1:40,308,245, C>T on the plus strand (G>A on the coding strand, the complement: COL9A2 is on the minus strand). VCF-style: chr1-40308245-C-T. GRCh37 (hg19) VCF-style: chr1-40773917-C-T.
Other names: c.847G>A (NM_001852.3); short protein forms G283S.
Identifiers: ClinVar variation 1408610 (VCV001408610.10), dbSNP rs879772871, ClinGen allele CA21041724.